The following is an entry in ClinVar:

ClinVar aggregate classification (germline): Uncertain significance (1 of 4 stars; one submission).

gnomAD v4.1: 6 of 1,498,148 alleles (0.0004%); highest among the groups gnomAD compares: Non-Finnish European, 0.00044%; no homozygotes.

Submission:

Labcorp Genetics (formerly Invitae), Labcorp
Classification: Uncertain significance. Last evaluated: 2024-07-25. Review status: criteria provided, single submitter. Criteria: Invitae Variant Classification Sherloc (09022015). Collection method: clinical testing. Allele origin: germline.
Comment: This sequence change replaces proline, which is neutral and non-polar, with serine, which is neutral and polar, at codon 3 of the SPPL2A protein (p.Pro3Ser). This variant is not present in population databases (gnomAD no frequency). This variant has not been reported in the literature in individuals affected with SPPL2A-related conditions. An algorithm developed to predict the effect of missense changes on protein structure and function outputs the following: PolyPhen-2: "Benign". The serine amino acid residue is found in multiple mammalian species, which suggests that this missense change does not adversely affect protein function. In summary, the available evidence is currently insufficient to determine the role of this variant in disease. Therefore, it has been classified as a Variant of Uncertain Significance.

NM_032802.4(SPPL2A):c.7C>T (p.Pro3Ser)

Genes: SPPL2A (signal peptide peptidase like 2A; minus strand), LOC130057047 (ATAC-STARR-seq lymphoblastoid silent region 6430; plus strand). Cytogenetic location: 15q21.2.
Variant type: single nucleotide variant.
Coding change: c.7C>T on transcript NM_032802.4 (MANE Select); coding-DNA position 7, C replaced by T.
Protein change: p.Pro3Ser; replaces proline 3 with serine.
Molecular consequence: missense variant.
Genome position (GRCh38, 1-based): chr15:50,765,527, G>A on the plus strand (C>T on the coding strand, the complement: SPPL2A is on the minus strand). VCF-style: chr15-50765527-G-A. GRCh37 (hg19) VCF-style: chr15-51057724-G-A.
Other names: short protein forms P3S.
Identifiers: ClinVar variation 3660592 (VCV003660592.2).
Genomic context (GRCh38, chr15:50,765,527, plus strand): 5'-CCAGCTGGAGCAGGAAGCCCCAGAGTAGGGCGGCCCCGGCAGGGGACAGCCGCCGCTGCG[G>A]CCCCATCGGACTGGTGGGTGCCGGGTGGGACGGCACGGTGCGGCGCAGCTCACTCGGCGG-3'
Protein context (NP_116191.2, residues 1-13): MG[Pro3Ser]QRRLSPAGAA